The following is an entry in ClinVar:

NM_000165.5(GJA1):c.108_109insTCGAATCCTGCTG (p.Leu37fs)

Gene: GJA1 (gap junction protein alpha 1; plus strand). Cytogenetic location: 6q22.31.
Variant type: Insertion.
Coding change: c.108_109insTCGAATCCTGCTG on transcript NM_000165.5 (MANE Select); coding-DNA positions 108 to 109, TCGAATCCTGCTG inserted.
Protein change: p.Leu37fs; shifts the reading frame from leucine 37.
Molecular consequence: frameshift variant.
Genome position: GRCh38 VCF-style: chr6-121446943-C-CCGAATCCTGCTGT. GRCh37 (hg19) VCF-style: chr6-121768089-C-CCGAATCCTGCTGT.
Other names: short protein forms L37fs.
Identifiers: ClinVar variation 4712380 (VCV004712380.1).

ClinVar aggregate classification (germline): Uncertain significance (1 of 4 stars; one submission).

Conditions:
Oculodentodigital dysplasia, autosomal recessive. Also called: OCULODENTOOSSEOUS DYSPLASIA, AUTOSOMAL RECESSIVE; ODDD, AUTOSOMAL RECESSIVE; ODOD, AUTOSOMAL RECESSIVE. Identifiers: Orphanet 2710, MedGen C2749477, MONDO:0009768, OMIM 257850.

Submission:

Labcorp Genetics (formerly Invitae), Labcorp
Classification: Uncertain significance for Oculodentodigital dysplasia, autosomal recessive. Last evaluated: 2025-02-13. Review status: criteria provided, single submitter. Criteria: Invitae Variant Classification Sherloc (09022015). Collection method: clinical testing. Allele origin: germline.
Comment: This sequence change creates a premature translational stop signal (p.Leu37Serfs*10) in the GJA1 gene. While this is not anticipated to result in nonsense mediated decay, it is expected to disrupt the last 346 amino acid(s) of the GJA1 protein. This variant is not present in population databases (gnomAD no frequency). This variant has not been reported in the literature in individuals affected with GJA1-related conditions. This variant disrupts a region of the GJA1 protein in which other variant(s) (p.Arg189Glufs*35) have been observed in individuals with GJA1-related conditions (internal data). This suggests that this is a clinically significant region of the protein, and that variants that disrupt it are likely to be disease-causing. In summary, the available evidence is currently insufficient to determine the role of this variant in disease. Therefore, it has been classified as a Variant of Uncertain Significance.